The following is an entry in ClinVar:

NM_005956.4(MTHFD1):c.1330G>A (p.Gly444Ser)

Gene: MTHFD1 (methylenetetrahydrofolate dehydrogenase, cyclohydrolase and formyltetrahydrofolate synthetase 1; plus strand). Cytogenetic location: 14q23.3.
Variant type: single nucleotide variant.
Coding change: c.1330G>A on transcript NM_005956.4 (MANE Select); coding-DNA position 1330, G replaced by A.
Protein change: p.Gly444Ser; replaces glycine 444 with serine.
Molecular consequence: missense variant.
Genome position (GRCh38, 1-based): chr14:64,431,550, G>A. VCF-style: chr14-64431550-G-A. GRCh37 (hg19) VCF-style: chr14-64898268-G-A.
Other names: c.1330G>A, p.Gly444Ser (NM_001364837.1); short protein forms G444S.
Identifiers: ClinVar variation 1510851 (VCV001510851.6), dbSNP rs2140968252, ClinGen allele CA389990937.

ClinVar aggregate classification (germline): Uncertain significance (1 of 4 stars; one submission).

Allele frequency attached by ClinVar (database versions not stated): gnomAD exomes below 0.00001.
gnomAD v4.1: 1 of 1,614,002 alleles (0.000062%); highest among the groups gnomAD compares: Non-Finnish European, 0.000085%; no homozygotes.

Submission:

Labcorp Genetics (formerly Invitae), Labcorp
Classification: Uncertain significance. Last evaluated: 2021-09-18. Review status: criteria provided, single submitter. Criteria: Invitae Variant Classification Sherloc (09022015). Collection method: clinical testing. Allele origin: germline.
Comment: This sequence change replaces glycine with serine at codon 444 of the MTHFD1 protein (p.Gly444Ser). The glycine residue is highly conserved and there is a small physicochemical difference between glycine and serine. In summary, the available evidence is currently insufficient to determine the role of this variant in disease. Therefore, it has been classified as a Variant of Uncertain Significance. Algorithms developed to predict the effect of sequence changes on RNA splicing suggest that this variant may create or strengthen a splice site. Algorithms developed to predict the effect of missense changes on protein structure and function are either unavailable or do not agree on the potential impact of this missense change (SIFT: "Deleterious"; PolyPhen-2: "Probably Damaging"; Align-GVGD: "Class C0"). This variant has not been reported in the literature in individuals affected with MTHFD1-related conditions. This variant is not present in population databases (ExAC no frequency).